The following is an entry in ClinVar:

NM_032442.3(NEURL4):c.3285C>T (p.Thr1095=)

Gene: NEURL4 (neuralized E3 ubiquitin protein ligase 4; minus strand). Cytogenetic location: 17p13.1.
Variant type: single nucleotide variant.
Coding change: c.3285C>T on transcript NM_032442.3 (MANE Select); coding-DNA position 3285, C replaced by T.
Protein change: p.Thr1095=; no amino-acid change (threonine 1095 retained).
Molecular consequence: synonymous variant.
Genome position (GRCh38, 1-based): chr17:7,321,187, G>A on the plus strand (C>T on the coding strand, the complement: NEURL4 is on the minus strand). VCF-style: chr17-7321187-G-A. GRCh37 (hg19) VCF-style: chr17-7224506-G-A.
Other names: c.3279C>T, p.Thr1093= (NM_001005408.2).
Identifiers: ClinVar variation 2647328 (VCV002647328.23), dbSNP rs2508719124, ClinGen allele CA497697980.
Genomic context (GRCh38, chr17:7,321,187, plus strand): 5'-CTCGCCCTCGTCATCCTCCTCGCCCTCACTGCCGGTGTCTGAACTGGGGGAAGGAGGCTG[G>A]GTGCCTTCTGACTCCTCCAGTCTCGTGGAACTGACAATTGACACACCGCGGACTGGCCCG-3'
Protein context (NP_115818.2, residues 1085-1105): SSTRLEESEG[Thr1095=]QPPSPSSDTG

ClinVar aggregate classification (germline): Likely benign (1 of 4 stars; one submission).

Submission:

CeGaT Center for Human Genetics Tuebingen
Classification: Likely benign. Last evaluated: 2023-08-01. Review status: criteria provided, single submitter. Criteria: CeGaT Center For Human Genetics Tuebingen Variant Classification Criteria Version 2. Collection method: clinical testing. Allele origin: germline. Affected: yes. Observed: 1 variant allele.
Comment: NEURL4: PM2:Supporting, BP4, BP7